The following is an entry in ClinVar:

ClinVar aggregate classification (germline): Uncertain significance (1 of 4 stars; one submission).

Conditions:
Cardiovascular phenotype. Identifiers: MedGen CN230736.

Submission:

Ambry Genetics
Classification: Uncertain significance for Cardiovascular phenotype. Last evaluated: 2026-08-24. Review status: criteria provided, single submitter. Criteria: Ambry Variant Classification Scheme 2023. Collection method: clinical testing. Allele origin: germline.
Comment: The p.R1558L variant (also known as c.4673G>T), located in coding exon 23 of the DSP gene, results from a G to T substitution at nucleotide position 4673. The arginine at codon 1558 is replaced by leucine, an amino acid with dissimilar properties. This amino acid position is conserved. In addition, this alteration is predicted to be tolerated by in silico analysis. Based on the available evidence, the clinical significance of this variant remains unclear.

NM_004415.4(DSP):c.4673G>T (p.Arg1558Leu)

Gene: DSP (desmoplakin; plus strand). Cytogenetic location: 6p24.3.
Variant type: single nucleotide variant.
Coding change: c.4673G>T on transcript NM_004415.4 (MANE Select); coding-DNA position 4673, G replaced by T.
Protein change: p.Arg1558Leu; replaces arginine 1558 with leucine.
Molecular consequence: missense variant. On other transcripts: intron variant (2).
Genome position (GRCh38, 1-based): chr6:7,580,863, G>T. VCF-style: chr6-7580863-G-T. GRCh37 (hg19) VCF-style: chr6-7581096-G-T.
Other names: c.4050+623G>T (NM_001319034.2); c.3582+1091G>T (NM_001008844.3); short protein forms R1558L.
Identifiers: ClinVar variation 5035663 (VCV005035663.1).